The following is an entry in ClinVar:

ClinVar aggregate classification (germline): Uncertain significance (1 of 4 stars; one submission).

Submission:

Labcorp Genetics (formerly Invitae), Labcorp
Classification: Uncertain significance. Last evaluated: 2023-10-14. Review status: criteria provided, single submitter. Criteria: Invitae Variant Classification Sherloc (09022015). Collection method: clinical testing. Allele origin: germline.
Comment: This sequence change replaces lysine, which is basic and polar, with glutamic acid, which is acidic and polar, at codon 1443 of the COL11A1 protein (p.Lys1443Glu). This variant is not present in population databases (gnomAD no frequency). This variant has not been reported in the literature in individuals affected with COL11A1-related conditions. Advanced modeling of protein sequence and biophysical properties (such as structural, functional, and spatial information, amino acid conservation, physicochemical variation, residue mobility, and thermodynamic stability) performed at Invitae indicates that this missense variant is not expected to disrupt COL11A1 protein function. In summary, the available evidence is currently insufficient to determine the role of this variant in disease. Therefore, it has been classified as a Variant of Uncertain Significance.

NM_001854.4(COL11A1):c.4327A>G (p.Lys1443Glu)

Gene: COL11A1 (collagen type XI alpha 1 chain; minus strand). Cytogenetic location: 1p21.1.
Variant type: single nucleotide variant.
Coding change: c.4327A>G on transcript NM_001854.4 (MANE Select); coding-DNA position 4327, A replaced by G.
Protein change: p.Lys1443Glu; replaces lysine 1443 with glutamic acid.
Molecular consequence: missense variant. On other transcripts: non-coding transcript variant (1).
Genome position (GRCh38, 1-based): chr1:102,890,480, T>C on the plus strand (A>G on the coding strand, the complement: COL11A1 is on the minus strand). VCF-style: chr1-102890480-T-C. GRCh37 (hg19) VCF-style: chr1-103356036-T-C.
Other names: c.3979A>G, p.Lys1327Glu (NM_001168249.1, NM_080630.4); c.4210A>G, p.Lys1404Glu (NM_001190709.2); c.4363A>G, p.Lys1455Glu (NM_080629.3); short protein forms K1404E, K1327E, K1443E, K1455E.
Identifiers: ClinVar variation 2768500 (VCV002768500.3), dbSNP rs2524263541, ClinGen allele CA341212875.